The following is an entry in ClinVar:

ClinVar aggregate classification (germline): Uncertain significance (1 of 4 stars; one submission).

Conditions:
Episodic kinesigenic dyskinesia (EKD). Also called: Paroxysmal kinesigenic dyskinesia. Identifiers: Orphanet 98809, MedGen C1868682, MONDO:0044202.

gnomAD v4.1: 10 of 1,567,344 alleles (0.00064%); highest among the groups gnomAD compares: East Asian, 0.012%; no homozygotes.

Submission:

Labcorp Genetics (formerly Invitae), Labcorp
Classification: Uncertain significance for Episodic kinesigenic dyskinesia. Last evaluated: 2025-05-18. Review status: criteria provided, single submitter. Criteria: Invitae Variant Classification Sherloc (09022015). Collection method: clinical testing. Allele origin: germline.
Comment: This sequence change replaces proline, which is neutral and non-polar, with threonine, which is neutral and polar, at codon 215 of the PRRT2 protein (p.Pro215Thr). This variant is not present in population databases (gnomAD no frequency). This variant has not been reported in the literature in individuals affected with PRRT2-related conditions. Invitae Evidence Modeling of protein sequence and biophysical properties (such as structural, functional, and spatial information, amino acid conservation, physicochemical variation, residue mobility, and thermodynamic stability) indicates that this missense variant is not expected to disrupt PRRT2 protein function with a negative predictive value of 95%. In summary, the available evidence is currently insufficient to determine the role of this variant in disease. Therefore, it has been classified as a Variant of Uncertain Significance.

NM_145239.3(PRRT2):c.643C>A (p.Pro215Thr)

Genes: MVP-DT (MVP divergent transcript; minus strand), PRRT2 (proline rich transmembrane protein 2; plus strand). Cytogenetic location: 16p11.2.
Variant type: single nucleotide variant.
Coding change: c.643C>A on transcript NM_145239.3 (MANE Select); coding-DNA position 643, C replaced by A.
Protein change: p.Pro215Thr; replaces proline 215 with threonine.
Molecular consequence: missense variant.
Genome position (GRCh38, 1-based): chr16:29,813,697, C>A. VCF-style: chr16-29813697-C-A. GRCh37 (hg19) VCF-style: chr16-29825018-C-A.
Other names: c.643C>A, p.Pro215Thr (NM_001256442.2, NM_001256443.2, NM_001438120.1 and 2 more transcripts); short protein forms P215T.
Identifiers: ClinVar variation 4702344 (VCV004702344.1).